The following is an entry in ClinVar:

ClinVar aggregate classification (germline): Conflicting classifications of pathogenicity. Review status: criteria provided, conflicting classifications (1 of 4 stars). 7 submissions from 7 submitters: Uncertain significance (5); Likely benign (2). Last evaluated 2025-12-20.

Conditions:
Hereditary cancer-predisposing syndrome. Also called: Hereditary neoplastic syndrome; Tumor predisposition; Neoplastic Syndromes, Hereditary; Hereditary Cancer Syndrome. Identifiers: Orphanet 140162, MedGen C0027672, MeSH D009386, MONDO:0015356.
Hereditary breast ovarian cancer syndrome. Also called: Hereditary breast and ovarian cancer; Hereditary breast and/or ovarian cancer syndrome; Hereditary breast and ovarian cancer syndrome; Hereditary breast and ovarian cancer syndrome (HBOC); Breast and ovarian cancer; BRCA1- and BRCA2-Associated Hereditary Breast and Ovarian Cancer. Identifiers: Orphanet 145, MedGen C0677776, MeSH D061325, MONDO:0003582. Disease mechanism: loss of function.

Allele frequency attached by ClinVar (database versions not stated): TOPMed below 0.00001.
gnomAD v4.1: 4 of 1,593,786 alleles (0.00025%); highest among the groups gnomAD compares: South Asian, 0.0011%; no homozygotes.

Submissions (7):

Labcorp Genetics (formerly Invitae), Labcorp
Classification: Uncertain significance for Hereditary breast ovarian cancer syndrome. Last evaluated: 2025-12-20. Review status: criteria provided, single submitter. Criteria: Invitae Variant Classification Sherloc (09022015). Collection method: clinical testing. Allele origin: germline.
Comment: This sequence change replaces cysteine, which is neutral and slightly polar, with tyrosine, which is neutral and polar, at codon 1081 of the BRCA2 protein (p.Cys1081Tyr). This variant is not present in population databases (gnomAD no frequency). This missense change has been observed in individual(s) with BRCA2-related conditions (PMID: 21520333). ClinVar contains an entry for this variant (Variation ID: 418936). Invitae Evidence Modeling of protein sequence and biophysical properties (such as structural, functional, and spatial information, amino acid conservation, physicochemical variation, residue mobility, and thermodynamic stability) indicates that this missense variant is not expected to disrupt BRCA2 protein function with a negative predictive value of 95%. In summary, the available evidence is currently insufficient to determine the role of this variant in disease. Therefore, it has been classified as a Variant of Uncertain Significance.

Quest Diagnostics Nichols Institute San Juan Capistrano
Classification: Uncertain significance. Last evaluated: 2024-08-23. Review status: criteria provided, single submitter. Criteria: Quest Diagnostics criteria. Collection method: clinical testing. Allele origin: unknown.
Comment: The BRCA2 c.3242G>A (p.Cys1081Tyr) variant has been reported in the published literature in an individual affected with breast cancer as well as in a reportedly healthy individual in a large scale breast cancer association study (PMID: 33471991 (2021), see also LOVD. This variant has also been described to be located in a region of the BRCA2 gene that is tolerant to missense sequence changes (PMID: 31911673 (2020)). This variant has not been reported in large, multi-ethnic general populations (Genome Aggregation Database). Analysis of this variant using bioinformatics tools for the prediction of the effect of amino acid changes on protein structure and function yielded predictions that this variant is benign. Based on the available information, we are unable to determine the clinical significance of this variant.

Ambry Genetics
Classification: Likely benign for Hereditary cancer-predisposing syndrome. Last evaluated: 2024-08-07. Review status: criteria provided, single submitter. Criteria: Ambry Variant Classification Scheme 2023. Collection method: clinical testing. Allele origin: germline.

University of Washington Department of Laboratory Medicine, University of Washington
Classification: Likely benign for Hereditary cancer-predisposing syndrome. Last evaluated: 2023-03-23. Review status: criteria provided, single submitter. Criteria: Dines et al. (Genet Med. 2020). Collection method: curation. Allele origin: germline.
Comment: Missense variant in a coldspot region where missense variants are very unlikely to be pathogenic (PMID:31911673).

BRCA2 exon 11 coldspot. Reclassification based on statistical prior probability.

Women's Health and Genetics/Laboratory Corporation of America, LabCorp
Classification: Uncertain significance. Last evaluated: 2022-05-06. Review status: criteria provided, single submitter. Criteria: LabCorp Variant Classification Summary - May 2015. Collection method: clinical testing. Allele origin: germline.

Color Diagnostics, LLC DBA Color Health
Classification: Uncertain significance for Hereditary cancer-predisposing syndrome. Last evaluated: 2021-03-09. Review status: criteria provided, single submitter. Criteria: ACMG Guidelines, 2015. Collection method: clinical testing. Allele origin: germline.
Comment: This missense variant replaces cysteine with tyrosine at codon 1081 of the BRCA2 protein. Computational prediction suggests that this variant may not impact protein structure and function (internally defined REVEL score threshold <= 0.5, PMID: 27666373). To our knowledge, functional studies have not been reported for this variant. This variant has not been reported in individuals affected with hereditary cancer in the literature. This variant has not been identified in the general population by the Genome Aggregation Database (gnomAD). The available evidence is insufficient to determine the role of this variant in disease conclusively. Therefore, this variant is classified as a Variant of Uncertain Significance.

GeneDx
Classification: Uncertain significance. Last evaluated: 2015-04-22. Review status: criteria provided, single submitter. Criteria: GeneDx Variant Classification (06012015). Collection method: clinical testing. Allele origin: germline. Affected: yes.
Comment: This variant is denoted BRCA2 c.3242G>A at the cDNA level, p.Cys1081Tyr (C1081Y) at the protein level, and results in the change of a Cysteine to a Tyrosine (TGT>TAT). Using alternate nomenclature, this variant would be defined as BRCA2 3470G>A. This variant has not, to our knowledge, been published in the literature as pathogenic or benign. BRCA2 Cys1081Tyr was not observed in approximately 6,500 individuals of European and African American ancestry in the NHLBI Exome Sequencing Project, indicating it is not a common benign variant in these populations. Since Cysteine and Tyrosine differ in polarity, charge, size or other properties, this is considered a non-conservative amino acid substitution. BRCA2 Cys1081Tyr occurs at a position that is not conserved across species and is not located within a known functional domain but is located within a region responsible for interaction with RAD51 (Roy 2012, UniProt). In silico analyses are inconsistent regarding the effect this variant may have on protein structure and function. Based on currently available information, it is unclear whether BRCA2 Cys1081Tyr is pathogenic or benign. We consider it to be a variant of uncertain significance.

Literature cited by the submitters: PubMed 21520333 (cited by Labcorp Genetics (formerly Invitae), Labcorp and Quest Diagnostics Nichols Institute San Juan Capistrano); PubMed 31911673 (cited by Quest Diagnostics Nichols Institute San Juan Capistrano); PubMed 33471991 (cited by Quest Diagnostics Nichols Institute San Juan Capistrano and Ambry Genetics).

NM_000059.4(BRCA2):c.3242G>A (p.Cys1081Tyr)

Gene: BRCA2 (BRCA2 DNA repair associated; plus strand). Cytogenetic location: 13q13.1.
Variant type: single nucleotide variant.
Coding change: c.3242G>A on transcript NM_000059.4 (MANE Select); coding-DNA position 3242, G replaced by A.
Protein change: p.Cys1081Tyr; replaces cysteine 1081 with tyrosine.
Molecular consequence: missense variant.
Genome position (GRCh38, 1-based): chr13:32,337,597, G>A. VCF-style: chr13-32337597-G-A. GRCh37 (hg19) VCF-style: chr13-32911734-G-A.
Other names: short protein forms C1081Y.
Identifiers: ClinVar variation 418936 (VCV000418936.27), dbSNP rs752871893, ClinGen allele CA16619694.
Genomic context (GRCh38, chr13:32,337,597, plus strand): 5'-AGCCTCAGTCAATTAATACTGTATCTGCACATTTACAGAGTAGTGTAGTTGTTTCTGATT[G>A]TAAAAATAGTCATATAACCCCTCAGATGTTATTTTCCAAGCAGGATTTTAATTCAAACCA-3'
Protein context (NP_000050.3, residues 1071-1091): HLQSSVVVSD[Cys1081Tyr]KNSHITPQML